The following is an entry in ClinVar:

ClinVar aggregate classification (germline): Uncertain significance (1 of 4 stars; one submission).

Conditions:
Congenital myopathy with internal nuclei and atypical cores. Also called: Myopathy, centronuclear, 4. Identifiers: Orphanet 319160, MedGen C4707232, MONDO:0013890, OMIM 614807.

Allele frequency attached by ClinVar (database versions not stated): gnomAD exomes below 0.00001; gnomAD 0.00001.
gnomAD v4.1: 5 of 1,612,324 alleles (0.00031%); highest among the groups gnomAD compares: Non-Finnish European, 0.00042%; no homozygotes.

Submission:

Labcorp Genetics (formerly Invitae), Labcorp
Classification: Uncertain significance for Congenital myopathy with internal nuclei and atypical cores. Last evaluated: 2023-10-03. Review status: criteria provided, single submitter. Criteria: Invitae Variant Classification Sherloc (09022015). Collection method: clinical testing. Allele origin: germline.
Comment: This sequence change replaces glutamine, which is neutral and polar, with histidine, which is basic and polar, at codon 109 of the CCDC78 protein (p.Gln109His). This variant is not present in population databases (gnomAD no frequency). This variant has not been reported in the literature in individuals affected with CCDC78-related conditions. ClinVar contains an entry for this variant (Variation ID: 1054994). Algorithms developed to predict the effect of missense changes on protein structure and function output the following: SIFT: "Not Available"; PolyPhen-2: "Benign"; Align-GVGD: "Not Available". The histidine amino acid residue is found in multiple mammalian species, which suggests that this missense change does not adversely affect protein function. In summary, the available evidence is currently insufficient to determine the role of this variant in disease. Therefore, it has been classified as a Variant of Uncertain Significance.

NM_001378030.1(CCDC78):c.327G>C (p.Gln109His)

Gene: CCDC78 (coiled-coil domain containing 78; minus strand). Cytogenetic location: 16p13.3.
Variant type: single nucleotide variant.
Coding change: c.327G>C on transcript NM_001378030.1 (MANE Select); coding-DNA position 327, G replaced by C.
Protein change: p.Gln109His; replaces glutamine 109 with histidine.
Molecular consequence: missense variant. On other transcripts: non-coding transcript variant (5), intron variant (1).
Genome position (GRCh38, 1-based): chr16:725,521, C>G on the plus strand (G>C on the coding strand, the complement: CCDC78 is on the minus strand). VCF-style: chr16-725521-C-G. GRCh37 (hg19) VCF-style: chr16-775521-C-G.
Other names: c.327G>C, p.Gln109His (NM_001031737.3, NM_001378031.1); c.-18-228G>C (NM_001378033.1); short protein forms Q109H.
Identifiers: ClinVar variation 1054994 (VCV001054994.10), dbSNP rs1246634377, ClinGen allele CA394103748.